The following is an entry in ClinVar:

ClinVar aggregate classification (germline): Pathogenic. Review status: reviewed by expert panel (3 of 4 stars). 6 submissions from 6 submitters: Pathogenic (1). 5 of the submissions do not count toward it. Last evaluated 2016-04-22.

Conditions:
Inherited ovarian cancer (without breast cancer).
Hereditary cancer-predisposing syndrome. Also called: Hereditary Cancer Syndrome; Hereditary neoplastic syndrome; Neoplastic Syndromes, Hereditary; Tumor predisposition. Identifiers: Orphanet 140162, MedGen C0027672, MeSH D009386, MONDO:0015356.
Breast-ovarian cancer, familial, susceptibility to, 1 (BROVCA1). Also called: BRCA1 Hereditary Breast and Ovarian Cancer; OVARIAN CANCER, SUSCEPTIBILITY TO. Identifiers: Orphanet 145, MedGen C2676676, MONDO:0011450, OMIM 604370. Disease mechanism: loss of function.

Submissions (6):

Evidence-based Network for the Interpretation of Germline Mutant Alleles (ENIGMA)
Classification: Pathogenic for Breast-ovarian cancer, familial, susceptibility to, 1. Last evaluated: 2016-04-22. Review status: reviewed by expert panel. Criteria: ENIGMA BRCA1/2 Classification Criteria (2015). Collection method: curation. Allele origin: germline.
Comment: Variant allele predicted to encode a truncated non-functional protein.

Genetics Laboratory, Great Ormond Street Hospital NHS Foundation Trust, North Thames Genomic Laboratory Hub
Classification: Pathogenic for Inherited ovarian cancer (without breast cancer). Last evaluated: 2025-10-31. Review status: criteria provided, single submitter. Criteria: CanVIG BRCA Gene Specific V1.22. Collection method: clinical testing. Allele origin: germline. Affected: yes. Not counted in ClinVar's aggregate classification.
Comment: PS4_supporting, PM2_supporting, PVS1_very-strong, PM5_strong

Ambry Genetics
Classification: Pathogenic for Hereditary cancer-predisposing syndrome. Last evaluated: 2025-03-05. Review status: criteria provided, single submitter. Criteria: Ambry Variant Classification Scheme 2023. Collection method: clinical testing. Allele origin: germline. Not counted in ClinVar's aggregate classification.
Comment: The c.5310delG pathogenic mutation, located in coding exon 19 of the BRCA1 gene, results from a deletion of one nucleotide at nucleotide position 5310, causing a translational frameshift with a predicted alternate stop codon (p.F1772Sfs*21). This mutation has been reported in several patients with a personal and/or family history suggestive of Hereditary Breast and Ovarian Cancer syndrome (Evans DG et al. J Med Genet, 2003 Sep;40:e107; Loizidou M et al. Clin Genet, 2007 Feb;71:165-70). In one study, this mutation was reported in 3/60,466 breast cancer cases and in 1/53,461 controls (Dorling et al. N Engl J Med. 2021 02;384:428-439). Of note, this mutation is also referred to as 5427delG in the published literature. In addition to the clinical data presented in the literature, this alteration is expected to result in loss of function by premature protein truncation or nonsense-mediated mRNA decay. As such, this alteration is interpreted as a disease-causing mutation.

Color Diagnostics, LLC DBA Color Health
Classification: Pathogenic for Hereditary cancer-predisposing syndrome. Last evaluated: 2020-01-15. Review status: criteria provided, single submitter. Criteria: ACMG Guidelines, 2015. Collection method: clinical testing. Allele origin: germline. Not counted in ClinVar's aggregate classification.
Comment: This variant deletes 1 nucleotide in exon 20 of the BRCA1 gene, creating a frameshift and premature translation stop signal. This variant is expected to result in an absent or non-functional protein product. This variant has not been identified in the general population by the Genome Aggregation Database (gnomAD). Loss of BRCA1 function is a known mechanism of disease. Based on the available evidence, this variant is classified as Pathogenic.

Consortium of Investigators of Modifiers of BRCA1/2 (CIMBA), c/o University of Cambridge
Classification: Pathogenic for Breast-ovarian cancer, familial, susceptibility to, 1. Last evaluated: 2015-10-02. Review status: criteria provided, single submitter. Criteria: CIMBA Mutation Classification guidelines May 2016. Collection method: clinical testing. Allele origin: germline. Not counted in ClinVar's aggregate classification.

Breast Cancer Information Core (BIC) (BRCA1)
Classification: Pathogenic for Breast-ovarian cancer, familial 1. Last evaluated: 2002-05-29. Review status: no assertion criteria provided. Collection method: clinical testing. Allele origin: germline. Affected: yes. Observed: 1 variant allele. Not counted in ClinVar's aggregate classification.

Literature cited by the submitters: PubMed 12960223 (cited by Ambry Genetics); PubMed 17250666 (cited by Ambry Genetics); PubMed 27882536 (cited by Ambry Genetics); PubMed 29452958 (cited by Ambry Genetics); PubMed 33471991 (cited by Ambry Genetics).

NM_007294.4(BRCA1):c.5310del (p.Phe1772fs)

Gene: BRCA1 (BRCA1 DNA repair associated; minus strand). Cytogenetic location: 17q21.31.
Variant type: Deletion.
Coding change: c.5310del on transcript NM_007294.4 (MANE Select); coding-DNA position 5310, one base deleted (G; older notation c.5310delG).
Protein change: p.Phe1772fs; shifts the reading frame from phenylalanine 1772.
Molecular consequence: frameshift variant. On other transcripts: non-coding transcript variant (1).
Genome position (GRCh38, 1-based): chr17:43,051,085, C deleted on the plus strand (G on the coding strand, the reverse complement: BRCA1 is on the minus strand); the first of 3 consecutive C bases (chr17:43,051,085-43,051,087); deleting any one gives the same sequence. VCF-style (leftmost placement, unchanged base first): chr17-43051084-GC-G. GRCh37 (hg19) VCF-style: chr17-41203101-GC-G.
Other names: 5427delG; 5429delG; c.5310delG (NM_007294.3); c.1990delG, p.Phe666Serfs (NM_001408407.1, NM_001408408.1, NM_001408406.1); c.1987delG, p.Phe665Serfs (NM_001408409.1); c.1924delG, p.Phe644Serfs (NM_001408410.1); c.1921delG, p.Phe643Serfs (NM_001408411.1); c.1918delG, p.Phe642Serfs (NM_001408412.1, NM_001408413.1, NM_001408414.1 and 2 more transcripts); and 78 more; short protein forms F668fs, F1725fs, F1772fs, F1793fs.
Identifiers: ClinVar variation 55516 (VCV000055516.12), dbSNP rs80357581, ClinGen allele CA003461.